The following is an entry in ClinVar:

ClinVar aggregate classification (germline): Uncertain significance (1 of 4 stars; one submission).

Submission:

Women's Health and Genetics/Laboratory Corporation of America, LabCorp
Classification: Uncertain significance. Last evaluated: 2025-12-05. Review status: criteria provided, single submitter. Criteria: LabCorp Variant Classification Summary - May 2015. Collection method: clinical testing. Allele origin: germline.
Comment: Variant summary: QDPR c.452G>A (p.Gly151Asp) results in a non-conservative amino acid change in the encoded protein sequence. Algorithms developed to predict the effect of missense changes on protein structure and function all suggest that this variant is likely to be disruptive. The variant was absent in 249812 control chromosomes (gnomAD). The available data on variant occurrences in the general population are insufficient to allow any conclusion about variant significance. To our knowledge, no occurrence of c.452G>A in individuals affected with QDPR-related conditions and no experimental evidence demonstrating its impact on protein function have been reported. A different variant affecting the same codon has been classified as likely pathogenic by our lab (c.451G>A, p.Gly151Ser), supporting the critical relevance of codon 151 to QDPR protein function. No submitters have cited clinical-significance assessments for this variant to ClinVar. Based on the evidence outlined above, the variant was classified as uncertain significance.

NM_000320.3(QDPR):c.452G>A (p.Gly151Asp)

Gene: QDPR (quinoid dihydropteridine reductase; minus strand). Cytogenetic location: 4p15.32.
Variant type: single nucleotide variant.
Coding change: c.452G>A on transcript NM_000320.3 (MANE Select); coding-DNA position 452, G replaced by A.
Protein change: p.Gly151Asp; replaces glycine 151 with aspartic acid.
Molecular consequence: missense variant.
Genome position (GRCh38, 1-based): chr4:17,492,325, C>T on the plus strand (G>A on the coding strand, the complement: QDPR is on the minus strand). VCF-style: chr4-17492325-C-T. GRCh37 (hg19) VCF-style: chr4-17493948-C-T.
Other names: c.359G>A, p.Gly120Asp (NM_001306140.2); short protein forms G120D, G151D.
Identifiers: ClinVar variation 4688533 (VCV004688533.1).